The following is an entry in ClinVar:

NM_001270974.2(HYDIN):c.9728C>T (p.Ala3243Val)

Gene: HYDIN (HYDIN axonemal central pair apparatus protein; minus strand). Cytogenetic location: 16q22.2.
Variant type: single nucleotide variant.
Coding change: c.9728C>T on transcript NM_001270974.2 (MANE Select); coding-DNA position 9728, C replaced by T.
Protein change: p.Ala3243Val; replaces alanine 3243 with valine.
Molecular consequence: missense variant.
Genome position (GRCh38, 1-based): chr16:70,889,633, G>A on the plus strand (C>T on the coding strand, the complement: HYDIN is on the minus strand). VCF-style: chr16-70889633-G-A. GRCh37 (hg19) VCF-style: chr16-70923536-G-A.
Other names: short protein forms A3243V.
Identifiers: ClinVar variation 3391309 (VCV003391309.1).
Genomic context (GRCh38, chr16:70,889,633, plus strand): 5'-AAAAGGACACGCACCTGGCCTGTGGTGGTTACTTCTTTCTGAATCGTGTCAGAGAACTTG[G>A]CTGCTCTGGAAGAGCCAGTTTTGTAGAAGCTCTCACTTTCTCGGGATCTTGCATGTCTGA-3'
Protein context (NP_001257903.1, residues 3233-3253): SFYKTGSSRA[Ala3243Val]KFSDTIQKEV

ClinVar aggregate classification (germline): Uncertain significance (1 of 4 stars; one submission).

Conditions:
Primary ciliary dyskinesia 5. Also called: CILIARY DYSKINESIA, PRIMARY, 5, WITHOUT SITUS INVERSUS. Identifiers: Orphanet 244, MedGen C1837615, MONDO:0012088, OMIM 608647.

Submission:

Neuberg Centre For Genomic Medicine, NCGM
Classification: Uncertain significance for Primary ciliary dyskinesia 5. Review status: criteria provided, single submitter. Criteria: ACMG Guidelines, 2015. Collection method: clinical testing. Allele origin: germline. Inheritance: Autosomal recessive inheritance. Affected: yes.
Comment: The observed missense variant c.9728C>Tp.Ala3243Val in the HYDIN gene has not been reported previously as a pathogenic variant nor as a benign variant, to our knowledge. This variant is absent in the gnomAD Exomes. The amino acid Ala at position 3243 is changed to a Val changing protein sequence and it might alter its composition and physico-chemical properties. Multiple lines of computational evidence Polyphen - Benign, SIFT - Tolerated and MutationTaster - Polymorphism predict no damaging effect on protein structure and function for this variant. The residue is conserved by GERP++ and PhyloP across 100 vertebrates. For these reasons, this variant has been classified as Uncertain Significance.